The following is an entry in ClinVar:

NM_001099271.2(POC5):c.1225C>A (p.Pro409Thr)

Gene: POC5 (POC5 centriolar protein; minus strand). Cytogenetic location: 5q13.3.
Variant type: single nucleotide variant.
Coding change: c.1225C>A on transcript NM_001099271.2 (MANE Select); coding-DNA position 1225, C replaced by A.
Protein change: p.Pro409Thr; replaces proline 409 with threonine.
Molecular consequence: missense variant.
Genome position (GRCh38, 1-based): chr5:75,685,389, G>T on the plus strand (C>A on the coding strand, the complement: POC5 is on the minus strand). VCF-style: chr5-75685389-G-T. GRCh37 (hg19) VCF-style: chr5-74981214-G-T.
Other names: c.1150C>A, p.Pro384Thr (NM_152408.3); short protein forms P409T, P384T.
Identifiers: ClinVar variation 2992992 (VCV002992992.3), dbSNP rs756722821, ClinGen allele CA3310371.

ClinVar aggregate classification (germline): Uncertain significance (1 of 4 stars; one submission).

Allele frequency attached by ClinVar (database versions not stated): TOPMed below 0.00001; ExAC 0.00001.
gnomAD v4.1: 5 of 1,614,018 alleles (0.00031%); highest among the groups gnomAD compares: Middle Eastern, 0.033%; no homozygotes.

Submission:

Labcorp Genetics (formerly Invitae), Labcorp
Classification: Uncertain significance. Last evaluated: 2023-02-11. Review status: criteria provided, single submitter. Criteria: Invitae Variant Classification Sherloc (09022015). Collection method: clinical testing. Allele origin: germline.
Comment: In summary, the available evidence is currently insufficient to determine the role of this variant in disease. Therefore, it has been classified as a Variant of Uncertain Significance. Algorithms developed to predict the effect of missense changes on protein structure and function output the following: SIFT: "Not Available"; PolyPhen-2: "Benign"; Align-GVGD: "Not Available". The threonine amino acid residue is found in multiple mammalian species, which suggests that this missense change does not adversely affect protein function. This variant has not been reported in the literature in individuals affected with POC5-related conditions. This variant is present in population databases (rs756722821, gnomAD 0.004%). This sequence change replaces proline, which is neutral and non-polar, with threonine, which is neutral and polar, at codon 409 of the POC5 protein (p.Pro409Thr).